The following is an entry in ClinVar:

NM_006393.3(NEBL):c.2407G>A (p.Asp803Asn)

Gene: NEBL (nebulette; minus strand). Cytogenetic location: 10p12.31.
Variant type: single nucleotide variant.
Coding change: c.2407G>A on transcript NM_006393.3 (MANE Select); coding-DNA position 2407, G replaced by A.
Protein change: p.Asp803Asn; replaces aspartic acid 803 with asparagine.
Molecular consequence: missense variant.
Genome position (GRCh38, 1-based): chr10:20,812,880, C>T on the plus strand (G>A on the coding strand, the complement: NEBL is on the minus strand). VCF-style: chr10-20812880-C-T. GRCh37 (hg19) VCF-style: chr10-21101809-C-T.
Other names: c.2407G>A (NM_006393.2); c.418G>A, p.Asp140Asn (NM_001173484.2, NM_001377322.1, NM_213569.2); c.370G>A, p.Asp124Asn (NM_001377323.1); c.361G>A, p.Asp121Asn (NM_001377324.1); c.352G>A, p.Asp118Asn (NM_001377325.1); c.310G>A, p.Asp104Asn (NM_001377326.1, NM_001377327.1, NM_001377328.1); short protein forms D118N, D104N, D124N, D121N, D803N, D140N.
Identifiers: ClinVar variation 1445619 (VCV001445619.11), dbSNP rs774594552, ClinGen allele CA5432487.
Genomic context (GRCh38, chr10:20,812,880, plus strand): 5'-CTTTATAGGCAGCATCGCTGACCACCTGGGTGTTCTTCCTCACTCTCTCTGTCACAGGAT[C>T]GTCCACGACGGGAGTAAAGCCTCTCCCCTTTGTTTTTTCAAAATCTTCATGGTATTTTAC-3'
Protein context (NP_006384.1, residues 793-813): KGRGFTPVVD[Asp803Asn]PVTERVRKNT

ClinVar aggregate classification (germline): Uncertain significance. Review status: criteria provided, multiple submitters, no conflicts (2 of 4 stars). 3 submissions from 3 submitters: Uncertain significance (2). 1 of the submissions does not count toward it. Last evaluated 2025-04-30.

Conditions:
NEBL-related disorder. Also called: NEBL-related condition.
Primary dilated cardiomyopathy (DCM). Also called: Dilated Cardiomyopathy. Identifiers: Orphanet 217604, MedGen C0007193, MeSH D002311, MONDO:0005021, HP:0001644. Inheritance: Various modes of inheritance.

Allele frequency attached by ClinVar (database versions not stated): ExAC 0.00001; gnomAD 0.00001; gnomAD exomes 0.00001; 1000 Genomes Project 30x 0.00016.
gnomAD v4.1: 16 of 1,613,964 alleles (0.00099%); highest among the groups gnomAD compares: Admixed American, 0.0033%; no homozygotes.

Submissions (3):

Ambry Genetics
Classification: Uncertain significance. Last evaluated: 2025-04-30. Review status: criteria provided, single submitter. Criteria: Ambry Variant Classification Scheme 2023. Collection method: clinical testing. Allele origin: germline.
Comment: The p.D803N variant (also known as c.2407G>A), located in coding exon 24 of the NEBL gene, results from a G to A substitution at nucleotide position 2407. The aspartic acid at codon 803 is replaced by asparagine, an amino acid with highly similar properties. This amino acid position is conserved. In addition, this alteration is predicted to be tolerated by in silico analysis. Based on the available evidence, the clinical significance of this variant remains unclear.

Labcorp Genetics (formerly Invitae), Labcorp
Classification: Uncertain significance for Primary dilated cardiomyopathy. Last evaluated: 2024-04-16. Review status: criteria provided, single submitter. Criteria: Invitae Variant Classification Sherloc (09022015). Collection method: clinical testing. Allele origin: germline.
Comment: This sequence change replaces aspartic acid, which is acidic and polar, with asparagine, which is neutral and polar, at codon 803 of the NEBL protein (p.Asp803Asn). This variant is present in population databases (rs774594552, gnomAD 0.003%). This variant has not been reported in the literature in individuals affected with NEBL-related conditions. ClinVar contains an entry for this variant (Variation ID: 1445619). An algorithm developed to predict the effect of missense changes on protein structure and function (PolyPhen-2) suggests that this variant is likely to be disruptive. In summary, the available evidence is currently insufficient to determine the role of this variant in disease. Therefore, it has been classified as a Variant of Uncertain Significance.

PreventionGenetics, part of Exact Sciences
Classification: Uncertain significance for NEBL-related condition. Last evaluated: 2023-11-11. Review status: no assertion criteria provided. Collection method: clinical testing. Allele origin: germline. Not counted in ClinVar's aggregate classification.
Comment: The NEBL c.2407G>A variant is predicted to result in the amino acid substitution p.Asp803Asn. To our knowledge, this variant has not been reported in the literature. This variant is reported in 0.0029% of alleles in individuals of Latino descent in gnomAD. At this time, the clinical significance of this variant is uncertain due to the absence of conclusive functional and genetic evidence.